The following is an entry in ClinVar:

NM_021073.4(BMP5):c.111T>C (p.Ser37=)

Gene: BMP5 (bone morphogenetic protein 5; minus strand). Cytogenetic location: 6p12.1.
Variant type: single nucleotide variant.
Coding change: c.111T>C on transcript NM_021073.4 (MANE Select); coding-DNA position 111, T replaced by C.
Protein change: p.Ser37=; no amino-acid change (serine 37 retained).
Molecular consequence: synonymous variant.
Genome position (GRCh38, 1-based): chr6:55,874,755, A>G on the plus strand (T>C on the coding strand, the complement: BMP5 is on the minus strand). VCF-style: chr6-55874755-A-G. GRCh37 (hg19) VCF-style: chr6-55739553-A-G.
Other names: c.111T>C, p.Ser37= (NM_001329754.2, NM_001329756.2).
Identifiers: ClinVar variation 3060963 (VCV003060963.2), dbSNP rs3734444, ClinGen allele CA3864947.
Genomic context (GRCh38, chr6:55,874,755, plus strand): 5'-AGAGAGAATTTCCCTTTGTATTTCCCGTCTTTCGTGGTTCCGTAGTCTTCTATAAATAAA[A>G]CTGGAGTGAACATGATTGTCTCCCAAACCTCCTTTTGCATAACCCACTAGAACCCAGCAG-3'
Protein context (NP_066551.1, residues 27-47): GGLGDNHVHS[Ser37=]FIYRRLRNHE

ClinVar aggregate classification (germline): Benign (0 of 4 stars; one submission).

Conditions:
BMP5-related disorder. Also called: BMP5-related condition.

Allele frequency attached by ClinVar (database versions not stated): gnomAD exomes 0.41793; ExAC 0.43268; 1000 Genomes Project 0.43510; 1000 Genomes Project 30x 0.44035; gnomAD 0.48293; TOPMed 0.48886; ESP Exome Variant Server 0.49054.
gnomAD v4.1: 685,017 of 1,613,042 alleles (42%); highest among the groups gnomAD compares: African/African-American, 61%; 149,912 homozygotes.

Submission:

PreventionGenetics, part of Exact Sciences
Classification: Benign for BMP5-related condition. Last evaluated: 2019-10-18. Review status: no assertion criteria provided. Collection method: clinical testing. Allele origin: germline.
Comment: This variant is classified as benign based on ACMG/AMP sequence variant interpretation guidelines (Richards et al. 2015 PMID: 25741868, with internal and published modifications).